The following is an entry in ClinVar:

ClinVar aggregate classification (germline): Uncertain significance. Review status: criteria provided, multiple submitters, no conflicts (2 of 4 stars). 7 submissions from 5 submitters: Uncertain significance (4). 3 of the submissions do not count toward it. Last evaluated 2020-07-03.

Conditions:
Arthrogryposis multiplex congenita 3, myogenic type. Also called: ARTHROGRYPOSIS MULTIPLEX CONGENITA, MYOGENIC TYPE. Identifiers: MedGen C5193121, MONDO:0032778, OMIM 618484.
Autosomal recessive ataxia, Beauce type. Also called: Spinocerebellar ataxia, autosomal recessive 8; ATAXIA, RECESSIVE, OF BEAUCE; SYNE1 Deficiency; SYNE1-Related Autosomal Recessive Cerebellar Ataxia. Identifiers: Orphanet 88644, MedGen C1853116, MONDO:0012549, OMIM 610743.
Emery-Dreifuss muscular dystrophy 4, autosomal dominant (EDMD4). Also called: EMERY-DREIFUSS MUSCULAR DYSTROPHY 4 WITH VARIABLE FEATURES. Identifiers: Orphanet 261, MedGen C2751807, MONDO:0013071, OMIM 612998.

Allele frequency attached by ClinVar (database versions not stated): gnomAD 0.00001 and 0.00002; gnomAD exomes 0.00001 and 0.00004; TOPMed 0.00003; ExAC 0.00004.
gnomAD v4.1: 17 of 1,613,936 alleles (0.0011%); highest among the groups gnomAD compares: Admixed American, 0.01%; no homozygotes.

Submissions (7):

Labcorp Genetics (formerly Invitae), Labcorp
Classification: Uncertain significance for Emery-Dreifuss muscular dystrophy 4, autosomal dominant; Autosomal recessive ataxia, Beauce type. Last evaluated: 2020-07-03. Review status: criteria provided, single submitter. Criteria: Invitae Variant Classification Sherloc (09022015). Collection method: clinical testing. Allele origin: germline.
Comment: This variant has not been reported in the literature in individuals with SYNE1-related conditions. ClinVar contains an entry for this variant (Variation ID: 290701). This variant is present in population databases (rs767294741, ExAC 0.03%). This sequence change replaces aspartic acid with glycine at codon 4020 of the SYNE1 protein (p.Asp4020Gly). The aspartic acid residue is highly conserved and there is a moderate physicochemical difference between aspartic acid and glycine. In summary, the available evidence is currently insufficient to determine the role of this variant in disease. Therefore, it has been classified as a Variant of Uncertain Significance. Algorithms developed to predict the effect of missense changes on protein structure and function (SIFT, PolyPhen-2, Align-GVGD) all suggest that this variant is likely to be disruptive, but these predictions have not been confirmed by published functional studies and their clinical significance is uncertain.

Revvity Omics, Revvity
Classification: Uncertain significance. Last evaluated: 2020-04-03. Review status: criteria provided, single submitter. Criteria: ACMG Guidelines, 2015. Collection method: clinical testing. Allele origin: germline.

Athena Diagnostics
Classification: Uncertain significance. Last evaluated: 2016-09-26. Review status: criteria provided, single submitter. Criteria: Athena Diagnostics Criteria. Collection method: clinical testing. Allele origin: germline.

Eurofins Ntd Llc (ga)
Classification: Uncertain significance. Last evaluated: 2016-09-05. Review status: criteria provided, single submitter. Criteria: EGL Classification Definitions 2015. Collection method: clinical testing. Allele origin: germline. Observed: 1 variant allele, 1 heterozygote.

Department of Pathology and Laboratory Medicine, Sinai Health System
Classification: Uncertain significance for Emery-Dreifuss muscular dystrophy 4, autosomal dominant. Review status: no assertion criteria provided. Collection method: clinical testing. Allele origin: unknown. Affected: yes. Study: The Canadian Open Genetics Repository (COGR). Not counted in ClinVar's aggregate classification.
Comment: The SYNE1 p.D4091G variant was not identified in the literature but was identified in dbSNP (ID: rs767294741) and ClinVar (classified as uncertain significance by EGL Genetic Diagnostics and Athena Diagnostics). The variant was identified in control databases in 9 of 251428 chromosomes at a frequency of 0.00003580, and was observed at the highest frequency in the Latino population in 7 of 34586 chromosomes (freq: 0.0002024) (Genome Aggregation Database March 6, 2019, v2.1.1). The p.D4091 residue is conserved in mammals and computational analyses (MUT Assesor, PolyPhen-2, SIFT, MutationTaster, Revel, FATHMM, MetaLR, DANN) provide inconsistent predictions regarding the impact to the protein; this information is not very predictive of pathogenicity. The variant occurs outside of the splicing consensus sequence and in silico or computational prediction software programs (Splice AI exome) do not predict a difference in splicing. In summary, based on the above information the clinical significance of this variant cannot be determined with certainty at this time. This variant is classified as a variant of uncertain significance.

Department of Pathology and Laboratory Medicine, Sinai Health System
Classification: Uncertain significance for Arthrogryposis multiplex congenita 3, myogenic type. Review status: no assertion criteria provided. Collection method: clinical testing. Allele origin: unknown. Affected: yes. Study: The Canadian Open Genetics Repository (COGR). Not counted in ClinVar's aggregate classification.
Comment: the same text as in the submission from Department of Pathology and Laboratory Medicine, Sinai Health System above.

Department of Pathology and Laboratory Medicine, Sinai Health System
Classification: Uncertain significance for Autosomal recessive ataxia, Beauce type. Review status: no assertion criteria provided. Collection method: clinical testing. Allele origin: unknown. Affected: yes. Study: The Canadian Open Genetics Repository (COGR). Not counted in ClinVar's aggregate classification.
Comment: the same text as in the submission from Department of Pathology and Laboratory Medicine, Sinai Health System above.

NM_182961.4(SYNE1):c.12272A>G (p.Asp4091Gly)

Gene: SYNE1 (spectrin repeat containing nuclear envelope protein 1; minus strand). Cytogenetic location: 6q25.2.
Variant type: single nucleotide variant.
Coding change: c.12272A>G on transcript NM_182961.4 (MANE Select); coding-DNA position 12272, A replaced by G.
Protein change: p.Asp4091Gly; replaces aspartic acid 4091 with glycine.
Molecular consequence: missense variant.
Genome position (GRCh38, 1-based): chr6:152,339,320, T>C on the plus strand (A>G on the coding strand, the complement: SYNE1 is on the minus strand). VCF-style: chr6-152339320-T-C. GRCh37 (hg19) VCF-style: chr6-152660455-T-C.
Other names: c.12059A>G (NM_033071.3); c.12059A>G, p.Asp4020Gly (NM_033071.5); short protein forms D4020G, D4091G.
Identifiers: ClinVar variation 290701 (VCV000290701.17), dbSNP rs767294741, ClinGen allele CA4056453.
Genomic context (GRCh38, chr6:152,339,320, plus strand): 5'-ATGTCTTTTGCTGTGGTTTTCACCGAAGCATTTGACAGGTCACACATGGAGCAAAGGAGA[T>C]CTAGGTAGGTCCTTGCCTGCTCTTGCAAAGCTCTGAAGTGTTTGACCTGGAAAAGGCAGT-3'
Protein context (NP_892006.3, residues 4081-4101): ALQEQARTYL[Asp4091Gly]LLCSMCDLSN